The following is an entry in ClinVar:

ClinVar aggregate classification (germline): Pathogenic. Review status: reviewed by expert panel (3 of 4 stars). 2 submissions from 2 submitters: Pathogenic (1). 1 of the submissions does not count toward it. Last evaluated 2025-07-11.

Conditions:
Inborn genetic diseases. Identifiers: MedGen C0950123, MeSH D030342.
Hereditary thrombocytopenia and hematologic cancer predisposition syndrome. Identifiers: Orphanet 71290, MedGen CN281654, MONDO:0011071.

Submissions (2):

ClinGen Myeloid Malignancy Variant Curation Expert Panel
Classification: Pathogenic for Hereditary thrombocytopenia and hematologic cancer predisposition syndrome. Last evaluated: 2025-07-11. Review status: reviewed by expert panel. Criteria: ClinGen MyeloMalig ACMG Specifications v2. Collection method: curation. Allele origin: germline. Inheritance: Autosomal dominant inheritance.
Comment: NM_001754.5(RUNX1):c.260del (p.Gly87fs) is a frameshift variant which is predicted to undergo nonsense-mediated decay in a gene in which loss-of-function is an established mechanism (frameshift (-) c.98-c.758 as per VCEP specifications) (PVS1). This frameshift variant is downstream of c.98 (PM5_supporting) and is completely absent from all population databases with at least 20x coverage for RUNX1 (PM2_supporting). In summary, this variant meets criteria to be classified as pathogenic. ACMG/AMP criteria applied, as specified by the Myeloid Malignancy Variant Curation Expert Panel for RUNX1: PVS1, PM5_supporting, PM2_supporting.

Ambry Genetics
Classification: Pathogenic for Inborn genetic diseases. Last evaluated: 2025-03-11. Review status: criteria provided, single submitter. Criteria: Ambry Variant Classification Scheme 2023. Collection method: clinical testing. Allele origin: germline. Not counted in ClinVar's aggregate classification.
Comment: The c.260delG pathogenic mutation, located in coding exon 3 of the RUNX1 gene, results from a deletion of one nucleotide at nucleotide position 260, causing a translational frameshift with a predicted alternate stop codon (p.G87Afs*35). This variant was reported in individual(s) with features consistent with RUNX1 familial platelet disorder with associated myeloid malignancies (Ambry internal data). This variant is considered to be rare based on population cohorts in the Genome Aggregation Database (gnomAD). This alteration is expected to result in loss of function by premature protein truncation or nonsense-mediated mRNA decay. As such, this alteration is interpreted as a disease-causing mutation.

NM_001754.5(RUNX1):c.260del (p.Gly87fs)

Gene: RUNX1 (RUNX family transcription factor 1; minus strand). Cytogenetic location: 21q22.12.
Variant type: Deletion.
Coding change: c.260del on transcript NM_001754.5 (MANE Select); coding-DNA position 260, one base deleted (G; older notation c.260delG).
Protein change: p.Gly87fs; shifts the reading frame from glycine 87.
Molecular consequence: frameshift variant.
Genome position (GRCh38, 1-based): chr21:34,886,934, C deleted on the plus strand (G on the coding strand, the reverse complement: RUNX1 is on the minus strand); the first of 3 consecutive C bases (chr21:34,886,934-34,886,936); deleting any one gives the same sequence. VCF-style (leftmost placement, unchanged base first): chr21-34886933-GC-G. GRCh37 (hg19) VCF-style: chr21-36259230-GC-G.
Other names: NM_001754.5(RUNX1):c.260del; p.Gly87fs; c.179del, p.Gly60fs (NM_001001890.3, NM_001122607.2); c.260delG (NM_001754.4); short protein forms G60fs, G87fs.
Identifiers: ClinVar variation 3791511 (VCV003791511.1).